The following is an entry in ClinVar:

ClinVar aggregate classification (germline): Uncertain significance (1 of 4 stars; one submission).

Submission:

GeneDx
Classification: Uncertain significance. Last evaluated: 2019-08-29. Review status: criteria provided, single submitter. Criteria: GeneDx Variant Classification Process June 2021. Collection method: clinical testing. Allele origin: germline. Affected: yes.
Comment: Not observed in large population cohorts (Lek et al., 2016); In silico analysis, which includes protein predictors and evolutionary conservation, supports that this variant does not alter protein structure/function; Splice predictors are inconclusive as to whether the variant alters gene splicing. In the absence of RNA/functional studies, the actual effect of this sequence change is unknown.; Has not been previously published as pathogenic or benign to our knowledge

NM_017780.4(CHD7):c.107C>G (p.Pro36Arg)

Gene: CHD7 (chromodomain helicase DNA binding protein 7; plus strand). Cytogenetic location: 8q12.2.
Variant type: single nucleotide variant.
Coding change: c.107C>G on transcript NM_017780.4 (MANE Select); coding-DNA position 107, C replaced by G.
Protein change: p.Pro36Arg; replaces proline 36 with arginine.
Molecular consequence: missense variant.
Genome position (GRCh38, 1-based): chr8:60,741,539, C>G. VCF-style: chr8-60741539-C-G. GRCh37 (hg19) VCF-style: chr8-61654098-C-G.
Other names: c.107C>G, p.Pro36Arg (NM_001316690.1); short protein forms P36R.
Identifiers: ClinVar variation 1311381 (VCV001311381.2), dbSNP rs2150577446, ClinGen allele CA371295634.